The following is an entry in ClinVar:

ClinVar aggregate classification (germline): Uncertain significance (1 of 4 stars; one submission).

Conditions:
X-linked agammaglobulinemia with growth hormone deficiency (IGHD3). Also called: FLEISHER SYNDROME; HYPOGAMMAGLOBULINEMIA AND ISOLATED GROWTH HORMONE DEFICIENCY, X-LINKED; IGHD III; Isolated growth hormone deficiency type 3; Growth hormone deficiency with hypogammaglobulinemia; AGAMMAGLOBULINEMIA AND ISOLATED GROWTH HORMONE DEFICIENCY, X-LINKED. Identifiers: Orphanet 231692, Orphanet 631, MedGen C0472813, MONDO:0010615, OMIM 307200.

Submission:

Labcorp Genetics (formerly Invitae), Labcorp
Classification: Uncertain significance for X-linked agammaglobulinemia with growth hormone deficiency. Last evaluated: 2021-08-31. Review status: criteria provided, single submitter. Criteria: Invitae Variant Classification Sherloc (09022015). Collection method: clinical testing. Allele origin: germline.
Comment: This sequence change replaces cysteine with phenylalanine at codon 464 of the BTK protein (p.Cys464Phe). The cysteine residue is highly conserved and there is a large physicochemical difference between cysteine and phenylalanine. This variant is not present in population databases (ExAC no frequency). This variant has not been reported in the literature in individuals affected with BTK-related conditions. Advanced modeling of protein sequence and biophysical properties (such as structural, functional, and spatial information, amino acid conservation, physicochemical variation, residue mobility, and thermodynamic stability) performed at Invitae indicates that this missense variant is expected to disrupt BTK protein function. In summary, the available evidence is currently insufficient to determine the role of this variant in disease. Therefore, it has been classified as a Variant of Uncertain Significance.

NM_000061.3(BTK):c.1391G>T (p.Cys464Phe)

Gene: BTK (Bruton tyrosine kinase; minus strand). Cytogenetic location: Xq22.1.
Variant type: single nucleotide variant.
Coding change: c.1391G>T on transcript NM_000061.3 (MANE Select); coding-DNA position 1391, G replaced by T.
Protein change: p.Cys464Phe; replaces cysteine 464 with phenylalanine.
Molecular consequence: missense variant. On other transcripts: intron variant (1).
Genome position (GRCh38, 1-based): chrX:101,356,227, C>A on the plus strand (G>T on the coding strand, the complement: BTK is on the minus strand). VCF-style: chrX-101356227-C-A. GRCh37 (hg19) VCF-style: chrX-100611215-C-A.
Other names: c.1493G>T, p.Cys498Phe (NM_001287344.2); c.1039-1533G>T (NM_001287345.2); short protein forms C464F, C498F.
Identifiers: ClinVar variation 1516661 (VCV001516661.6), dbSNP rs2147427522, ClinGen allele CA413924384.